The following is an entry in ClinVar:

ClinVar aggregate classification (germline): Uncertain significance (1 of 4 stars; one submission).

Conditions:
Hereditary cancer-predisposing syndrome. Also called: Neoplastic Syndromes, Hereditary; Tumor predisposition; Hereditary neoplastic syndrome; Hereditary Cancer Syndrome. Identifiers: Orphanet 140162, MedGen C0027672, MeSH D009386, MONDO:0015356.

Submission:

Ambry Genetics
Classification: Uncertain significance for Hereditary cancer-predisposing syndrome. Last evaluated: 2024-04-03. Review status: criteria provided, single submitter. Criteria: Ambry Variant Classification Scheme 2023. Collection method: clinical testing. Allele origin: germline.
Comment: The p.M1071I variant (also known as c.3213G>C), located in coding exon 19 of the PTCH1 gene, results from a G to C substitution at nucleotide position 3213. The methionine at codon 1071 is replaced by isoleucine, an amino acid with highly similar properties. This amino acid position is highly conserved in available vertebrate species. In addition, this alteration is predicted to be deleterious by in silico analysis. Based on the available evidence, the clinical significance of this alteration remains unclear.

NM_000264.5(PTCH1):c.3213G>C (p.Met1071Ile)

Gene: PTCH1 (patched 1; minus strand). Cytogenetic location: 9q22.32.
Variant type: single nucleotide variant.
Coding change: c.3213G>C on transcript NM_000264.5 (MANE Select); coding-DNA position 3213, G replaced by C.
Protein change: p.Met1071Ile; replaces methionine 1071 with isoleucine.
Molecular consequence: missense variant. On other transcripts: non-coding transcript variant (1).
Genome position (GRCh38, 1-based): chr9:95,456,369, C>G on the plus strand (G>C on the coding strand, the complement: PTCH1 is on the minus strand). VCF-style: chr9-95456369-C-G. GRCh37 (hg19) VCF-style: chr9-98218651-C-G.
Other names: c.3057G>C, p.Met1019Ile (NM_001354918.2); c.3015G>C, p.Met1005Ile (NM_001083602.3); c.3210G>C, p.Met1070Ile (NM_001083603.3); c.2760G>C, p.Met920Ile (NM_001083604.3, NM_001083605.3, NM_001083606.3 and 1 more transcripts); short protein forms M1019I, M1071I, M1005I, M1070I, M920I.
Identifiers: ClinVar variation 3311127 (VCV003311127.1).